The following is an entry in ClinVar:

NC_000008.10:g.(?_100182247)_(100403952_?)del

Gene: VPS13B (vacuolar protein sorting 13 homolog B; plus strand). Cytogenetic location: 8q22.2.
Variant type: Deletion.
Identifiers: ClinVar variation 3245435 (VCV003245435.1).

ClinVar aggregate classification (germline): Pathogenic (1 of 4 stars; one submission).

Conditions:
Cohen syndrome (COH1). Also called: Cutis verticis gyrata, retinitis pigmentosa, and sensorineural deafness; PEPPER SYNDROME. Identifiers: Orphanet 193, MedGen C0265223, MONDO:0008999, OMIM 216550.

Submission:

Labcorp Genetics (formerly Invitae), Labcorp
Classification: Pathogenic for Cohen syndrome. Last evaluated: 2023-09-25. Review status: criteria provided, single submitter. Criteria: Invitae Variant Classification Sherloc (09022015). Collection method: clinical testing. Allele origin: unknown.
Comment: For these reasons, this variant has been classified as Pathogenic. This variant has not been reported in the literature in individuals affected with VPS13B-related conditions. This variant is a gross deletion of the genomic region encompassing exon(s) 16-21 of the VPS13B gene. This deletion is out-of-frame, and is expected to create a premature termination codon and result in an absent or disrupted protein product. Loss-of-function variants in VPS13B are known to be pathogenic (PMID: 15141358, 16648375, 20461111).

Literature cited by the submitters: PubMed 15141358; PubMed 16648375; PubMed 20461111.